The following is an entry in ClinVar:

NM_000152.5(GAA):c.1754+104C>G

Gene: GAA (alpha glucosidase; plus strand). Cytogenetic location: 17q25.3.
Variant type: single nucleotide variant.
Coding change: c.1754+104C>G on transcript NM_000152.5 (MANE Select); 104 bases into the intron after coding-DNA position 1754, C replaced by G.
Molecular consequence: intron variant.
Genome position (GRCh38, 1-based): chr17:80,112,204, C>G. VCF-style: chr17-80112204-C-G. GRCh37 (hg19) VCF-style: chr17-78086003-C-G.
Other names: c.1754+104C>G (NM_001079803.3, NM_001079804.3).
Identifiers: ClinVar variation 1172941 (VCV001172941.7), dbSNP rs2304839, ClinGen allele CA14478731.

ClinVar aggregate classification (germline): Benign. Review status: criteria provided, multiple submitters, no conflicts (2 of 4 stars). 4 submissions from 4 submitters: Benign (4). Last evaluated 2026-07-01.

Conditions:
Glycogen storage disease, type II (IOPD). Also called: CARDIOMEGALIA GLYCOGENICA DIFFUSA; GLYCOGENOSIS, GENERALIZED, CARDIAC FORM; GSD II; Glycogen storage disease type 2; Acid maltase deficiency disease; Aglucosidase alfa. Identifiers: Orphanet 365, MedGen C0017921, MONDO:0009290, OMIM 232300.

Allele frequency attached by ClinVar (database versions not stated): TOPMed 0.04163; gnomAD 0.04194 and 0.04537; 1000 Genomes Project 30x 0.07683; 1000 Genomes Project 0.07947.
gnomAD v4.1: 58,112 of 1,168,362 alleles (5%); highest among the groups gnomAD compares: East Asian, 26%; 2,628 homozygotes.

Submissions (4):

Genomenon, Inc
Classification: Benign for Glycogen storage disease, type II. Last evaluated: 2026-07-01. Review status: criteria provided, single submitter. Criteria: Genomenon Sequence Variant Interpretation Standards - Updated. Collection method: curation. Allele origin: germline. Affected: no.
Comment: GAA c.1754+104C>G is an intronic variant located in intron 12. This variant is present at high allele frequency in population databases. We classify GAA c.1754+104C>G as a benign variant.

Genome-Nilou Lab
Classification: Benign for Glycogen storage disease, type II. Last evaluated: 2021-06-10. Review status: criteria provided, single submitter. Criteria: ACMG Guidelines, 2015. Collection method: clinical testing. Allele origin: germline. Affected: no.

GeneDx
Classification: Benign. Last evaluated: 2020-04-28. Review status: criteria provided, single submitter. Criteria: GeneDx Variant Classification Process June 2021. Collection method: clinical testing. Allele origin: germline. Affected: yes.
Comment: Has not been previously published as pathogenic or benign to our knowledge; Nucleotide substitution has no predicted effect on splicing and is not conserved across species

Breakthrough Genomics
Classification: Benign. Review status: criteria provided, single submitter. Criteria: ACMG Guidelines, 2015. Collection method: not provided. Allele origin: germline. Inheritance: Autosomal recessive inheritance. Affected: yes.